The following is an entry in ClinVar:

NM_001148.6(ANK2):c.9055A>C (p.Met3019Leu)

Gene: ANK2 (ankyrin 2; plus strand). Cytogenetic location: 4q26.
Variant type: single nucleotide variant.
Coding change: c.9055A>C on transcript NM_001148.6 (MANE Select); coding-DNA position 9055, A replaced by C.
Protein change: p.Met3019Leu; replaces methionine 3019 with leucine.
Molecular consequence: missense variant. On other transcripts: intron variant (68).
Genome position (GRCh38, 1-based): chr4:113,357,673, A>C. VCF-style: chr4-113357673-A-C. GRCh37 (hg19) VCF-style: chr4-114278829-A-C.
Other names: c.4265-3150A>C (NM_001354275.2, NM_001354262.2, NM_001354245.2); c.4202-3150A>C (NM_001354253.2, NM_001354270.2); c.4166-3150A>C (NM_001354257.2, NM_001386156.1); c.4241-3150A>C (NM_001354249.2, NM_001354266.2, NM_001354276.2 and 2 more transcripts); c.4208-3150A>C (NM_001386146.1, NM_001386150.1, NM_001386149.1 and 1 more transcripts); c.4193-3150A>C (NM_001354274.2, NM_001386154.1); c.4142-3150A>C (NM_001386151.1, NM_001354260.2, NM_001354271.2); c.8821A>C, p.Met2941Leu (NM_001386142.1); and 35 more; short protein forms M1819L, M2941L, M3019L, M3058L, M3066L.
Identifiers: ClinVar variation 4858218 (VCV004858218.1).

ClinVar aggregate classification (germline): Uncertain significance (1 of 4 stars; one submission).

Conditions:
Cardiovascular phenotype. Identifiers: MedGen CN230736.

Submission:

Ambry Genetics
Classification: Uncertain significance for Cardiovascular phenotype. Last evaluated: 2026-04-27. Review status: criteria provided, single submitter. Criteria: Ambry Variant Classification Scheme 2023. Collection method: clinical testing. Allele origin: germline.
Comment: The p.M3019L variant (also known as c.9055A>C), located in coding exon 38 of the ANK2 gene, results from an A to C substitution at nucleotide position 9055. The methionine at codon 3019 is replaced by leucine, an amino acid with highly similar properties. This amino acid position is conserved. In addition, this alteration is predicted to be tolerated by in silico analysis. Based on the available evidence, the clinical significance of this variant remains unclear.